The following is an entry in ClinVar:

ClinVar aggregate classification (germline): Pathogenic (1 of 4 stars; one submission).

Conditions:
Hypophosphatemic rickets. Identifiers: MedGen C1704375, MeSH D063730, MONDO:0024300, HP:0004912.

Submission:

Laboratory of Cyto-molecular Genetics, Department of Anatomy, All India Institute of Medical Sciences (AIIMS), New Delhi
Classification: Pathogenic for Hypophosphatemic rickets. Last evaluated: 2022-02-07. Review status: criteria provided, single submitter. Criteria: ACMG Guidelines, 2015. Collection method: clinical testing. Allele origin: de novo. Affected: yes. Observed: 1 variant allele.
Comment: p.(Ala656Leufs*6); frameshift and premature termination codon (PTC) formation

Literature cited by the submitters: PubMed 35738466.

NM_000444.6(PHEX):c.1965+1del

Genes: PHEX (phosphate regulating endopeptidase X-linked; plus strand), PTCHD1-AS (PTCHD1 and PHEX antisense RNA; minus strand). Cytogenetic location: Xp22.11.
Variant type: Deletion.
Coding change: c.1965+1del on transcript NM_000444.6 (MANE Select); the canonical splice donor site of the intron after coding-DNA position 1965, one base deleted (G; older notation c.1965+1delG).
Molecular consequence: splice donor variant.
Genome position (GRCh38, 1-based): chrX:22,226,509, G deleted; the last of 3 consecutive G bases (chrX:22,226,507-22,226,509); deleting any one gives the same sequence. VCF-style (leftmost placement, unchanged base first): chrX-22226506-AG-A. GRCh37 (hg19) VCF-style: chrX-22244623-AG-A.
Other names: c.1965del (NM_000444.6); c.1965+1del (NM_001282754.2).
Identifiers: ClinVar variation 1339442 (VCV001339442.3), dbSNP rs1569434045, ClinGen allele CA2573055219.
Genomic context (GRCh38, chrX:22,226,506, plus strand): 5'-AAGGGGAAGAGGACCCTGGGAGAAAATATTGCTGATAATGGAGGCCTGCGGGAAGCTTTT[AG>A]GGTATGCGCTGCTACATTTACCGTGGTTCTAAAAATCAAGCCATAAAACACCATATGGGG-3'